The following is an entry in ClinVar:

ClinVar aggregate classification (germline): Likely benign (1 of 4 stars; one submission).

Allele frequency attached by ClinVar (database versions not stated): 1000 Genomes Project 0.01218; 1000 Genomes Project 30x 0.01218; gnomAD 0.01324 and 0.01419; TOPMed 0.01466.
gnomAD v4.1: 1,990 of 152,214 alleles (1.3%); highest among the groups gnomAD compares: African/African-American, 4.6%; 42 homozygotes.

Submission:

GeneDx
Classification: Likely benign. Last evaluated: 2018-06-14. Review status: criteria provided, single submitter. Criteria: GeneDx Variant Classification (06012015). Collection method: clinical testing. Allele origin: germline. Affected: yes.
Comment: This variant is considered likely benign or benign based on one or more of the following criteria: it is a conservative change, it occurs at a poorly conserved position in the protein, it is predicted to be benign by multiple in silico algorithms, and/or has population frequency not consistent with disease.

NM_001035.3(RYR2):c.11881-270G>C

Gene: RYR2 (ryanodine receptor 2; plus strand). Cytogenetic location: 1q43.
Variant type: single nucleotide variant.
Coding change: c.11881-270G>C on transcript NM_001035.3 (MANE Select); 270 bases into the intron before coding-DNA position 11881, G replaced by C.
Molecular consequence: intron variant.
Genome position (GRCh38, 1-based): chr1:237,781,295, G>C. VCF-style: chr1-237781295-G-C. GRCh37 (hg19) VCF-style: chr1-237944595-G-C.
Identifiers: ClinVar variation 672821 (VCV000672821.1), dbSNP rs111616867, ClinGen allele CA39825211.
Genomic context (GRCh38, chr1:237,781,295, plus strand): 5'-AGACGGGTTTTTGCCATGTTGCCCAGCCTGGTCTCAAACTCCTGAGCTCAGGTGATCTGT[G>C]CGCCTCGGCCTCCCAAAGAAGTGCTAGGATTACAGGCATGAGCCACTGCGCCCGGCCTAC-3'